The following is an entry in ClinVar:

ClinVar aggregate classification (germline): Benign/Likely benign. Review status: criteria provided, multiple submitters, no conflicts (2 of 4 stars). 4 submissions from 4 submitters: Benign (2); Likely benign (2). Last evaluated 2026-08-01.

Allele frequency attached by ClinVar (database versions not stated): 1000 Genomes Project 0.00060; 1000 Genomes Project 30x 0.00062; TOPMed 0.00087; ESP Exome Variant Server 0.00128; ExAC 0.00152; gnomAD 0.00153 and 0.00160; gnomAD exomes 0.00160.
gnomAD v4.1: 2,176 of 1,611,690 alleles (0.14%); highest among the groups gnomAD compares: Non-Finnish European, 0.14%; 11 homozygotes.

Submissions (4):

CeGaT Center for Human Genetics Tuebingen
Classification: Likely benign. Last evaluated: 2026-08-01. Review status: criteria provided, single submitter. Criteria: CeGaT Center For Human Genetics Tuebingen Variant Classification Criteria Version 2. Collection method: clinical testing. Allele origin: germline. Affected: yes. Observed: 44 variant alleles.
Comment: KMT2B: BP4, BP7

Labcorp Genetics (formerly Invitae), Labcorp
Classification: Benign. Last evaluated: 2026-01-13. Review status: criteria provided, single submitter. Criteria: Invitae Variant Classification Sherloc (09022015). Collection method: clinical testing. Allele origin: germline.

Blueprint Genetics
Classification: Likely benign. Last evaluated: 2024-11-11. Review status: criteria provided, single submitter. Criteria: ACMG Guidelines, 2015. Collection method: clinical testing. Allele origin: germline.

GeneDx
Classification: Benign. Last evaluated: 2020-03-17. Review status: criteria provided, single submitter. Criteria: GeneDx Variant Classification Process June 2021. Collection method: clinical testing. Allele origin: germline. Affected: yes.

NM_014727.3(KMT2B):c.3276G>A (p.Ser1092=)

Gene: KMT2B (lysine methyltransferase 2B; plus strand). Cytogenetic location: 19q13.12.
Variant type: single nucleotide variant.
Coding change: c.3276G>A on transcript NM_014727.3 (MANE Select); coding-DNA position 3276, G replaced by A.
Protein change: p.Ser1092=; no amino-acid change (serine 1092 retained).
Molecular consequence: synonymous variant.
Genome position (GRCh38, 1-based): chr19:35,723,949, G>A. VCF-style: chr19-35723949-G-A. GRCh37 (hg19) VCF-style: chr19-36214850-G-A.
Identifiers: ClinVar variation 718056 (VCV000718056.48), dbSNP rs199942615, ClinGen allele CA9384689.
Genomic context (GRCh38, chr19:35,723,949, plus strand): 5'-GCGCAAGTCAGCTCGGCGCTGCGTCAAACAGCGACCCTCCTATGATATCTTCGAGGATTC[G>A]GATGACTCGGAGCCCGGGGGCCCCCCTGCTCCTCGGCGTCGGACCCCCCGAGAAAATGGT-3'
Protein context (NP_055542.1, residues 1082-1102): QRPSYDIFED[Ser1092=]DDSEPGGPPA